The following is an entry in ClinVar:

NM_001166108.2(PALLD):c.1315T>G (p.Phe439Val)

Gene: PALLD (palladin, cytoskeletal associated protein; plus strand). Cytogenetic location: 4q32.3.
Variant type: single nucleotide variant.
Coding change: c.1315T>G on transcript NM_001166108.2 (MANE Select); coding-DNA position 1315, T replaced by G.
Protein change: p.Phe439Val; replaces phenylalanine 439 with valine.
Molecular consequence: missense variant.
Genome position (GRCh38, 1-based): chr4:168,685,539, T>G. VCF-style: chr4-168685539-T-G. GRCh37 (hg19) VCF-style: chr4-169606690-T-G.
Other names: c.169T>G, p.Phe57Val (NM_001166109.2); c.1315T>G, p.Phe439Val (NM_016081.4); short protein forms F57V, F439V.
Identifiers: ClinVar variation 1769788 (VCV001769788.2), dbSNP rs2531610253, ClinGen allele CA358794487.

ClinVar aggregate classification (germline): Uncertain significance (1 of 4 stars; one submission).

Allele frequency attached by ClinVar (database versions not stated): gnomAD exomes below 0.00001.
gnomAD v4.1: 1 of 1,611,472 alleles (0.000062%); highest among the groups gnomAD compares: Admixed American, 0.0017%; no homozygotes.

Submission:

Ambry Genetics
Classification: Uncertain significance. Last evaluated: 2021-11-22. Review status: criteria provided, single submitter. Criteria: Ambry Variant Classification Scheme 2023. Collection method: clinical testing. Allele origin: germline.
Comment: The p.F439V variant (also known as c.1315T>G), located in coding exon 5 of the PALLD gene, results from a T to G substitution at nucleotide position 1315. The phenylalanine at codon 439 is replaced by valine, an amino acid with highly similar properties. This amino acid position is conserved. In addition, this alteration is predicted to be tolerated by in silico analysis. Since supporting evidence is limited at this time, the clinical significance of this alteration remains unclear.